The following is an entry in ClinVar:

NM_025074.7(FRAS1):c.9566C>T (p.Ser3189Phe)

Gene: FRAS1 (Fraser extracellular matrix complex subunit 1; plus strand). Cytogenetic location: 4q21.21.
Variant type: single nucleotide variant.
Coding change: c.9566C>T on transcript NM_025074.7 (MANE Select); coding-DNA position 9566, C replaced by T.
Protein change: p.Ser3189Phe; replaces serine 3189 with phenylalanine.
Molecular consequence: missense variant.
Genome position (GRCh38, 1-based): chr4:78,508,792, C>T. VCF-style: chr4-78508792-C-T. GRCh37 (hg19) VCF-style: chr4-79429946-C-T.
Other names: short protein forms S3189F.
Identifiers: ClinVar variation 4082440 (VCV004082440.3).

ClinVar aggregate classification (germline): Uncertain significance. Review status: criteria provided, multiple submitters, no conflicts (2 of 4 stars). 2 submissions from 2 submitters: Uncertain significance (2). Last evaluated 2025-06-23.

gnomAD v4.1: 8 of 1,613,670 alleles (0.0005%); highest among the groups gnomAD compares: African/African-American, 0.008%; no homozygotes.

Submissions (2):

Labcorp Genetics (formerly Invitae), Labcorp
Classification: Uncertain significance. Last evaluated: 2025-06-23. Review status: criteria provided, single submitter. Criteria: Invitae Variant Classification Sherloc (09022015). Collection method: clinical testing. Allele origin: germline.
Comment: This sequence change replaces serine, which is neutral and polar, with phenylalanine, which is neutral and non-polar, at codon 3189 of the FRAS1 protein (p.Ser3189Phe). This variant is present in population databases (rs567506383, gnomAD 0.007%). This variant has not been reported in the literature in individuals affected with FRAS1-related conditions. Invitae Evidence Modeling of protein sequence and biophysical properties (such as structural, functional, and spatial information, amino acid conservation, physicochemical variation, residue mobility, and thermodynamic stability) indicates that this missense variant is not expected to disrupt FRAS1 protein function with a negative predictive value of 80%. In summary, the available evidence is currently insufficient to determine the role of this variant in disease. Therefore, it has been classified as a Variant of Uncertain Significance.

Genetic Services Laboratory, University of Chicago
Classification: Uncertain significance. Last evaluated: 2023-08-22. Review status: criteria provided, single submitter. Criteria: ACMG Guidelines, 2015. Collection method: clinical testing. Allele origin: germline. Affected: no.
Comment: DNA sequence analysis of the FRAS1 gene demonstrated a sequence change, c.9566C>T, in exon 63 that results in an amino acid change, p.Ser3189Phe. This sequence change does not appear to have been previously described in individuals with FRAS1-related disorders. This sequence change has been described in the gnomAD database in 1 individual which corresponds to a population frequency of 0.0004% (dbSNP rs567506383). The p.Ser3189Phe change affects a highly conserved amino acid residue located in a domain of the FRAS1 protein that is not known to be functional. In-silico pathogenicity prediction tools (SIFT, PolyPhen2, Align GVGD, REVEL) provide contradictory results for the p.Ser3189Phe substitution. Due to insufficient evidence and the lack of functional studies, the clinical significance of the p.Ser3189Phe change remains unknown at this time.